The following is an entry in ClinVar:

ClinVar aggregate classification (germline): Uncertain significance. Review status: criteria provided, multiple submitters, no conflicts (2 of 4 stars). 2 submissions from 2 submitters: Uncertain significance (2). Last evaluated 2025-08-01.

Submissions (2):

CeGaT Center for Human Genetics Tuebingen
Classification: Uncertain significance. Last evaluated: 2025-08-01. Review status: criteria provided, single submitter. Criteria: CeGaT Center For Human Genetics Tuebingen Variant Classification Criteria Version 2. Collection method: clinical testing. Allele origin: germline. Affected: yes. Observed: 1 variant allele.
Comment: ARID1A: PM2

GeneDx
Classification: Uncertain significance. Last evaluated: 2022-07-28. Review status: criteria provided, single submitter. Criteria: GeneDx Variant Classification Process June 2021. Collection method: clinical testing. Allele origin: germline. Affected: yes.
Comment: Not observed at significant frequency in large population cohorts (gnomAD); In silico analysis supports that this missense variant does not alter protein structure/function; Has not been previously published as pathogenic or benign to our knowledge

NM_006015.6(ARID1A):c.1124C>A (p.Ala375Asp)

Genes: ARID1A (AT-rich interaction domain 1A; plus strand), LOC129929837 (ATAC-STARR-seq lymphoblastoid silent region 489; plus strand). Cytogenetic location: 1p36.11.
Variant type: single nucleotide variant.
Coding change: c.1124C>A on transcript NM_006015.6 (MANE Select); coding-DNA position 1124, C replaced by A.
Protein change: p.Ala375Asp; replaces alanine 375 with aspartic acid.
Molecular consequence: missense variant.
Genome position (GRCh38, 1-based): chr1:26,697,527, C>A. VCF-style: chr1-26697527-C-A. GRCh37 (hg19) VCF-style: chr1-27024018-C-A.
Other names: c.1124C>A, p.Ala375Asp (NM_139135.4); short protein forms A375D.
Identifiers: ClinVar variation 2412875 (VCV002412875.12), dbSNP rs2525566346, ClinGen allele CA339267243.
Genomic context (GRCh38, chr1:26,697,527, plus strand): 5'-AAAGGAGCCACCACGCGCCCATGAGCCCCGGGAGCAGCGGCGGCGGGGGGCAGCCGCTCG[C>A]CCGGACCCCTCAGGTACACAGCTGAGTGGGGAGGGGGCTGGGGCGAGCGTGGTCCTGGGG-3'
Protein context (NP_006006.3, residues 365-385): GSSGGGGQPL[Ala375Asp]RTPQPSSPMD